The following is an entry in ClinVar:

NM_007272.3(CTRC):c.618T>A (p.Asp206Glu)

Gene: CTRC (chymotrypsin C; plus strand). Cytogenetic location: 1p36.21.
Variant type: single nucleotide variant.
Coding change: c.618T>A on transcript NM_007272.3 (MANE Select); coding-DNA position 618, T replaced by A.
Protein change: p.Asp206Glu; replaces aspartic acid 206 with glutamic acid.
Molecular consequence: missense variant.
Genome position (GRCh38, 1-based): chr1:15,444,730, T>A. VCF-style: chr1-15444730-T-A. GRCh37 (hg19) VCF-style: chr1-15771225-T-A.
Other names: short protein forms D206E.
Identifiers: ClinVar variation 940593 (VCV000940593.13), dbSNP rs749204330, ClinGen allele CA613397.

ClinVar aggregate classification (germline): Uncertain significance. Review status: criteria provided, multiple submitters, no conflicts (2 of 4 stars). 3 submissions from 3 submitters: Uncertain significance (3). Last evaluated 2024-11-15.

Conditions:
Hereditary pancreatitis (PCTT). Also called: Hereditary chronic pancreatitis; PRSS1-Related Hereditary Pancreatitis. Identifiers: Orphanet 676, MedGen C0238339, MONDO:0008185, OMIM 167800.

Allele frequency attached by ClinVar (database versions not stated): gnomAD 0.00001; TOPMed 0.00001; ExAC 0.00002; gnomAD exomes 0.00002.
gnomAD v4.1: 34 of 1,614,084 alleles (0.0021%); highest among the groups gnomAD compares: Non-Finnish European, 0.0027%; no homozygotes.

Submissions (3):

Ambry Genetics
Classification: Uncertain significance for Hereditary pancreatitis. Last evaluated: 2024-11-15. Review status: criteria provided, single submitter. Criteria: Ambry Variant Classification Scheme 2023. Collection method: clinical testing. Allele origin: germline.
Comment: The p.D206E variant (also known as c.618T>A), located in coding exon 6 of the CTRC gene, results from a T to A substitution at nucleotide position 618. The aspartic acid at codon 206 is replaced by glutamic acid, an amino acid with highly similar properties. This amino acid position is highly conserved in available vertebrate species. In addition, this alteration is predicted to be tolerated by in silico analysis. Since supporting evidence is limited at this time, the clinical significance of this alteration remains unclear.

Department of Pathology and Laboratory Medicine, Sinai Health System
Classification: Uncertain significance for hereditary chronic pancreatitis. Last evaluated: 2021-07-30. Review status: criteria provided, single submitter. Criteria: ACMG Guidelines, 2015. Collection method: research. Allele origin: germline.

Labcorp Genetics (formerly Invitae), Labcorp
Classification: Uncertain significance for Hereditary pancreatitis. Last evaluated: 2019-09-23. Review status: criteria provided, single submitter. Criteria: Invitae Variant Classification Sherloc (09022015). Collection method: clinical testing. Allele origin: germline.
Comment: In summary, the available evidence is currently insufficient to determine the role of this variant in disease. Therefore, it has been classified as a Variant of Uncertain Significance. Algorithms developed to predict the effect of missense changes on protein structure and function (SIFT, PolyPhen-2, Align-GVGD) all suggest that this variant is likely to be disruptive, but these predictions have not been confirmed by published functional studies and their clinical significance is uncertain. This variant has not been reported in the literature in individuals with CTRC-related conditions. This variant is present in population databases (rs749204330, ExAC 0.006%). This sequence change replaces aspartic acid with glutamic acid at codon 206 of the CTRC protein (p.Asp206Glu). The aspartic acid residue is highly conserved and there is a small physicochemical difference between aspartic acid and glutamic acid.